The following is an entry in ClinVar:

ClinVar aggregate classification (germline): Uncertain significance (1 of 4 stars; one submission).

gnomAD v4.1: 11 of 1,609,854 alleles (0.00068%); highest among the groups gnomAD compares: Admixed American, 0.0017%; no homozygotes.

Submission:

GeneDx
Classification: Uncertain significance. Last evaluated: 2025-05-08. Review status: criteria provided, single submitter. Criteria: GeneDx Variant Classification Process June 2021. Collection method: clinical testing. Allele origin: germline. Affected: yes.
Comment: In silico analysis supports that this missense variant has a deleterious effect on protein structure/function; Has not been previously published as pathogenic or benign to our knowledge

NM_001080453.3(INTS1):c.3722C>T (p.Pro1241Leu)

Gene: INTS1 (integrator complex subunit 1; minus strand). Cytogenetic location: 7p22.3.
Variant type: single nucleotide variant.
Coding change: c.3722C>T on transcript NM_001080453.3 (MANE Select); coding-DNA position 3722, C replaced by T.
Protein change: p.Pro1241Leu; replaces proline 1241 with leucine.
Molecular consequence: missense variant.
Genome position (GRCh38, 1-based): chr7:1,481,470, G>A on the plus strand (C>T on the coding strand, the complement: INTS1 is on the minus strand). VCF-style: chr7-1481470-G-A. GRCh37 (hg19) VCF-style: chr7-1521106-G-A.
Other names: short protein forms P1241L.
Identifiers: ClinVar variation 4527843 (VCV004527843.1).